The following is an entry in ClinVar:

NM_144966.5(FREM1):c.*2313T>C

Gene: FREM1 (FRAS1 related extracellular matrix 1; minus strand). Cytogenetic location: 9p22.3.
Variant type: single nucleotide variant.
Coding change: c.*2313T>C on transcript NM_144966.5; 2313 bases downstream of the stop codon, T replaced by C.
Genome position (GRCh38, 1-based): chr9:14,735,083, A>G on the plus strand (T>C on the coding strand, the complement: FREM1 is on the minus strand). VCF-style: chr9-14735083-A-G. GRCh37 (hg19) VCF-style: chr9-14735081-A-G.
Identifiers: ClinVar variation 913649 (VCV000913649.6), dbSNP rs142822341, ClinGen allele CA12949904.
Genomic context (GRCh38, chr9:14,735,083, plus strand): 5'-CTGGACACAGTGGGCCTTTTCCTGAGGTGGTATTGAAGTTTGGGGAGAAAAGCTGGGTAC[A>G]TTCAGGTCCTTCTTGACGCTTTCCTTCCTAGCTACCATCAGTTCCCATCCTCTTCTGTTC-3'

ClinVar aggregate classification (germline): Likely benign (1 of 4 stars; one submission).

Conditions:
Oculotrichoanal syndrome (MOTA). Also called: MARLES SYNDROME; Manitoba Oculotrichoanal (MOTA) Syndrome. Identifiers: Orphanet 2717, MedGen C1855425, MONDO:0009560, OMIM 248450.

Allele frequency attached by ClinVar (database versions not stated): 1000 Genomes Project 30x 0.00422; 1000 Genomes Project 0.00439; TOPMed 0.00467; gnomAD 0.00683.

Submission:

Illumina Laboratory Services, Illumina
Classification: Likely benign for Oculotrichoanal syndrome. Last evaluated: 2018-01-13. Review status: criteria provided, single submitter. Criteria: ICSL Variant Classification Criteria 13 December 2019. Collection method: clinical testing. Allele origin: germline.
Comment: This variant was observed in the ICSL laboratory as part of a predisposition screen in an ostensibly healthy population. It had not been previously curated by ICSL or reported in the Human Gene Mutation Database (HGMD: prior to June 1st, 2018), and was therefore a candidate for classification through an automated scoring system. Utilizing variant allele frequency, disease prevalence and penetrance estimates, and inheritance mode, an automated score was calculated to assess if this variant is too frequent to cause the disease. Based on the score and internal cut-off values, a variant classified as likely benign is not then subjected to further curation. The score for this variant resulted in a classification of likely benign for this disease.